The following is an entry in ClinVar:

ClinVar aggregate classification (germline): Uncertain significance. Review status: criteria provided, multiple submitters, no conflicts (2 of 4 stars). 2 submissions from 2 submitters: Uncertain significance (2). Last evaluated 2024-06-19.

Conditions:
Hereditary nonpolyposis colorectal neoplasms. Identifiers: MedGen C0009405, MeSH D003123.
Hereditary cancer-predisposing syndrome. Also called: Neoplastic Syndromes, Hereditary; Hereditary Cancer Syndrome; Hereditary neoplastic syndrome; Tumor predisposition. Identifiers: Orphanet 140162, MedGen C0027672, MeSH D009386, MONDO:0015356.

gnomAD v4.1: 3 of 1,614,154 alleles (0.00019%); highest among the groups gnomAD compares: Non-Finnish European, 0.00025%; no homozygotes.

Submissions (2):

Ambry Genetics
Classification: Uncertain significance for Hereditary cancer-predisposing syndrome. Last evaluated: 2024-06-19. Review status: criteria provided, single submitter. Criteria: Ambry Variant Classification Scheme 2023. Collection method: clinical testing. Allele origin: germline.
Comment: The p.R451T variant (also known as c.1352G>C), located in coding exon 11 of the PMS2 gene, results from a G to C substitution at nucleotide position 1352. The arginine at codon 451 is replaced by threonine, an amino acid with similar properties. This amino acid position is conserved. In addition, this alteration is predicted to be tolerated by in silico analysis. Based on the available evidence, the clinical significance of this variant remains unclear.

Labcorp Genetics (formerly Invitae), Labcorp
Classification: Uncertain significance for Hereditary nonpolyposis colorectal neoplasms. Last evaluated: 2024-03-06. Review status: criteria provided, single submitter. Criteria: Invitae Variant Classification Sherloc (09022015). Collection method: clinical testing. Allele origin: germline.
Comment: This sequence change replaces arginine, which is basic and polar, with threonine, which is neutral and polar, at codon 451 of the PMS2 protein (p.Arg451Thr). This variant is not present in population databases (gnomAD no frequency). This variant has not been reported in the literature in individuals affected with PMS2-related conditions. ClinVar contains an entry for this variant (Variation ID: 1423370). Advanced modeling of protein sequence and biophysical properties (such as structural, functional, and spatial information, amino acid conservation, physicochemical variation, residue mobility, and thermodynamic stability) performed at Invitae indicates that this missense variant is not expected to disrupt PMS2 protein function with a negative predictive value of 80%. In summary, the available evidence is currently insufficient to determine the role of this variant in disease. Therefore, it has been classified as a Variant of Uncertain Significance.

NM_000535.7(PMS2):c.1352G>C (p.Arg451Thr)

Gene: PMS2 (PMS1 homolog 2, mismatch repair system component; minus strand). Cytogenetic location: 7p22.1.
Variant type: single nucleotide variant.
Coding change: c.1352G>C on transcript NM_000535.7 (MANE Select); coding-DNA position 1352, G replaced by C.
Protein change: p.Arg451Thr; replaces arginine 451 with threonine.
Molecular consequence: missense variant. On other transcripts: non-coding transcript variant (1).
Genome position (GRCh38, 1-based): chr7:5,987,413, C>G on the plus strand (G>C on the coding strand, the complement: PMS2 is on the minus strand). VCF-style: chr7-5987413-C-G. GRCh37 (hg19) VCF-style: chr7-6027044-C-G.
Other names: c.947G>C, p.Arg316Thr (NM_001322003.2, NM_001322004.2, NM_001322005.2 and 1 more transcripts); c.1196G>C, p.Arg399Thr (NM_001322006.2); c.1034G>C, p.Arg345Thr (NM_001322007.2, NM_001322008.2); c.791G>C, p.Arg264Thr (NM_001322010.2); c.419G>C, p.Arg140Thr (NM_001322011.2, NM_001322012.2); c.779G>C, p.Arg260Thr (NM_001322013.2); c.1352G>C, p.Arg451Thr (NM_001322014.2); c.1043G>C, p.Arg348Thr (NM_001322015.2); and 1 more; short protein forms R140T, R316T, R451T, R264T, R260T, R345T, R348T, R399T.
Identifiers: ClinVar variation 1423370 (VCV001423370.9), dbSNP rs876660834, ClinGen allele CA366742276.